The following is an entry in ClinVar:

NM_001723.7(DST):c.5471A>C (p.His1824Pro)

Gene: DST (dystonin; minus strand). Cytogenetic location: 6p12.1.
Variant type: single nucleotide variant.
Coding change: c.5471A>C on transcript NM_001723.7 (MANE Plus Clinical); coding-DNA position 5471, A replaced by C.
Protein change: p.His1824Pro; replaces histidine 1824 with proline.
Molecular consequence: missense variant. On other transcripts: intron variant (10).
Genome position (GRCh38, 1-based): chr6:56,618,563, T>G on the plus strand (A>C on the coding strand, the complement: DST is on the minus strand). VCF-style: chr6-56618563-T-G. GRCh37 (hg19) VCF-style: chr6-56483361-T-G.
Other names: c.4831-4079A>C (NM_001144769.5); c.4930-4079A>C (NM_001374722.1, NM_001374736.1); c.4957-4079A>C (NM_001374734.1); c.4417-4079A>C (NM_001144770.2); c.4297-4079A>C (NM_001374730.1, NM_001386100.1, NM_183380.4 and 1 more transcripts); c.3319-4079A>C (NM_015548.5); short protein forms H1824P.
Identifiers: ClinVar variation 2201046 (VCV002201046.4), dbSNP rs142961618, ClinGen allele CA3870352.

ClinVar aggregate classification (germline): Uncertain significance (1 of 4 stars; one submission).

Conditions:
Hereditary sensory and autonomic neuropathy type 6. Also called: HSAN VI; Neuropathy, hereditary sensory and autonomic, type VI. Identifiers: Orphanet 314381, MedGen C3539003, MONDO:0013839, OMIM 614653.
Epidermolysis bullosa simplex 3, localized or generalized intermediate, with BP230 deficiency (EBS3). Also called: Epidermolysis bullosa simplex, autosomal recessive 2; Epidermolysis bullosa simplex due to BP230 deficiency. Identifiers: Orphanet 412181, MedGen C3809470, MONDO:0014180, OMIM 615425.

Allele frequency attached by ClinVar (database versions not stated): 1000 Genomes Project 30x 0.00016; 1000 Genomes Project 0.00020.
gnomAD v4.1: 12 of 1,614,228 alleles (0.00074%); highest among the groups gnomAD compares: African/African-American, 0.013%; no homozygotes.

Submission:

Labcorp Genetics (formerly Invitae), Labcorp
Classification: Uncertain significance for Epidermolysis bullosa simplex 3, localized or generalized intermediate, with BP230 deficiency; Hereditary sensory and autonomic neuropathy type 6. Last evaluated: 2022-05-21. Review status: criteria provided, single submitter. Criteria: Invitae Variant Classification Sherloc (09022015). Collection method: clinical testing. Allele origin: germline.
Comment: Algorithms developed to predict the effect of missense changes on protein structure and function (SIFT, PolyPhen-2, Align-GVGD) all suggest that this variant is likely to be disruptive. In summary, the available evidence is currently insufficient to determine the role of this variant in disease. Therefore, it has been classified as a Variant of Uncertain Significance. This variant has not been reported in the literature in individuals affected with DST-related conditions. This variant is present in population databases (rs142961618, gnomAD 0.01%). This sequence change replaces histidine, which is basic and polar, with proline, which is neutral and non-polar, at codon 1824 of the DST protein (p.His1824Pro).